The following is an entry in ClinVar:

NM_001369268.1(ACAN):c.2027-16_2027-15delinsGT

Gene: ACAN (aggrecan; plus strand). Cytogenetic location: 15q26.1.
Variant type: Indel.
Coding change: c.2027-16_2027-15delinsGT on transcript NM_001369268.1 (MANE Select); 16 bases into the intron before coding-DNA position 2027 through 15 bases into the intron before coding-DNA position 2027, CC replaced by GT.
Molecular consequence: intron variant.
Genome position (GRCh38, 1-based): chr15:88,851,778-88,851,779, CC replaced by GT. VCF-style: chr15-88851778-CC-GT. GRCh37 (hg19) VCF-style: chr15-89395009-CC-GT.
Other names: c.2027-16_2027-15delinsGT (NM_013227.4, NM_001135.4).
Identifiers: ClinVar variation 1470154 (VCV001470154.6), dbSNP rs2141595580, ClinGen allele CA2573151319.

ClinVar aggregate classification (germline): Uncertain significance (1 of 4 stars; one submission).

Submission:

Labcorp Genetics (formerly Invitae), Labcorp
Classification: Uncertain significance. Last evaluated: 2021-10-30. Review status: criteria provided, single submitter. Criteria: Invitae Variant Classification Sherloc (09022015). Collection method: clinical testing. Allele origin: germline.
Comment: In summary, the available evidence is currently insufficient to determine the role of this variant in disease. Therefore, it has been classified as a Variant of Uncertain Significance. Algorithms developed to predict the effect of sequence changes on RNA splicing suggest that this variant may create or strengthen a splice site. This variant has not been reported in the literature in individuals affected with ACAN-related conditions. Information on the frequency of this variant in the gnomAD database is not available, as this variant may be reported differently in the database. This sequence change falls in intron 10 of the ACAN gene. It does not directly change the encoded amino acid sequence of the ACAN protein.